The following is an entry in ClinVar:

NM_031433.4(MFRP):c.602G>A (p.Arg201His)

Genes: C1QTNF5 (C1q and TNF related 5; minus strand), MFRP (membrane frizzled-related protein; minus strand). Cytogenetic location: 11q23.3.
Variant type: single nucleotide variant.
Coding change: c.602G>A on transcript NM_031433.4 (MANE Select); coding-DNA position 602, G replaced by A.
Protein change: p.Arg201His; replaces arginine 201 with histidine.
Molecular consequence: missense variant. On other transcripts: 5 prime UTR variant (1).
Genome position (GRCh38, 1-based): chr11:119,345,459, C>T on the plus strand (G>A on the coding strand, the complement: MFRP is on the minus strand). VCF-style: chr11-119345459-C-T. GRCh37 (hg19) VCF-style: chr11-119216169-C-T.
Other names: c.-2035G>A (NM_015645.5); short protein forms R201H.
Identifiers: ClinVar variation 1472407 (VCV001472407.8), dbSNP rs141474039, ClinGen allele CA6320494.

ClinVar aggregate classification (germline): Uncertain significance. Review status: criteria provided, multiple submitters, no conflicts (2 of 4 stars). 2 submissions from 2 submitters: Uncertain significance (2). Last evaluated 2024-06-13.

Conditions:
Isolated microphthalmia 5. Also called: Posterior Microphthalmia with Retinitis Pigmentosa, Foveoschisis, and Optic Disc Drusen. Identifiers: Orphanet 251279, MedGen C1970236, MONDO:0012605, OMIM 611040.

Allele frequency attached by ClinVar (database versions not stated): 1000 Genomes Project 0.00020; gnomAD 0.00002 and 0.00003; 1000 Genomes Project 30x 0.00016; TOPMed 0.00004; ExAC 0.00007; ESP Exome Variant Server 0.00008.
gnomAD v4.1: 58 of 1,613,930 alleles (0.0036%); highest among the groups gnomAD compares: South Asian, 0.011%; no homozygotes.

Submissions (2):

Blueprint Genetics
Classification: Uncertain significance. Last evaluated: 2024-06-13. Review status: criteria provided, single submitter. Criteria: ACMG Guidelines, 2015. Collection method: clinical testing. Allele origin: germline.

Labcorp Genetics (formerly Invitae), Labcorp
Classification: Uncertain significance for Isolated microphthalmia 5. Last evaluated: 2022-10-13. Review status: criteria provided, single submitter. Criteria: Invitae Variant Classification Sherloc (09022015). Collection method: clinical testing. Allele origin: germline.
Comment: This variant is present in population databases (rs141474039, gnomAD 0.02%). ClinVar contains an entry for this variant (Variation ID: 1472407). This variant has not been reported in the literature in individuals affected with MFRP-related conditions. This sequence change replaces arginine, which is basic and polar, with histidine, which is basic and polar, at codon 201 of the MFRP protein (p.Arg201His). In summary, the available evidence is currently insufficient to determine the role of this variant in disease. Therefore, it has been classified as a Variant of Uncertain Significance. Advanced modeling of protein sequence and biophysical properties (such as structural, functional, and spatial information, amino acid conservation, physicochemical variation, residue mobility, and thermodynamic stability) has been performed at Invitae for this missense variant, however the output from this modeling did not meet the statistical confidence thresholds required to predict the impact of this variant on MFRP protein function.